The following is an entry in ClinVar:

NM_025137.4(SPG11):c.3323T>C (p.Leu1108Ser)

Gene: SPG11 (SPG11 vesicle trafficking associated, spatacsin; minus strand). Cytogenetic location: 15q21.1.
Variant type: single nucleotide variant.
Coding change: c.3323T>C on transcript NM_025137.4 (MANE Select); coding-DNA position 3323, T replaced by C.
Protein change: p.Leu1108Ser; replaces leucine 1108 with serine.
Molecular consequence: missense variant.
Genome position (GRCh38, 1-based): chr15:44,608,574, A>G on the plus strand (T>C on the coding strand, the complement: SPG11 is on the minus strand). VCF-style: chr15-44608574-A-G. GRCh37 (hg19) VCF-style: chr15-44900772-A-G.
Other names: c.3323T>C, p.Leu1108Ser (NM_001160227.2, NM_001411132.1); short protein forms L1108S.
Identifiers: ClinVar variation 1730225 (VCV001730225.2), dbSNP rs2083381558, ClinGen allele CA392225053.

ClinVar aggregate classification (germline): Uncertain significance (1 of 4 stars; one submission).

Conditions:
Inborn genetic diseases. Identifiers: MedGen C0950123, MeSH D030342.

Allele frequency attached by ClinVar (database versions not stated): gnomAD exomes below 0.00001; TOPMed below 0.00001.
gnomAD v4.1: 1 of 1,614,014 alleles (0.000062%); highest among the groups gnomAD compares: Non-Finnish European, 0.000085%; no homozygotes.

Submission:

Ambry Genetics
Classification: Uncertain significance for Inborn genetic diseases. Last evaluated: 2019-12-19. Review status: criteria provided, single submitter. Criteria: Ambry Variant Classification Scheme 2023. Collection method: clinical testing. Allele origin: germline.
Comment: The p.L1108S variant (also known as c.3323T>C), located in coding exon 19 of the SPG11 gene, results from a T to C substitution at nucleotide position 3323. The leucine at codon 1108 is replaced by serine, an amino acid with dissimilar properties. This amino acid position is well conserved in available vertebrate species. In addition, this alteration is predicted to be tolerated by in silico analysis. Since supporting evidence is limited at this time, the clinical significance of this alteration remains unclear.